The following is an entry in ClinVar:

ClinVar aggregate classification (germline): Uncertain significance (1 of 4 stars; one submission).

gnomAD v4.1: 1 of 1,533,404 alleles (0.000065%); no homozygotes.

Submission:

GeneDx
Classification: Uncertain significance. Last evaluated: 2020-02-24. Review status: criteria provided, single submitter. Criteria: GeneDx Variant Classification Process June 2021. Collection method: clinical testing. Allele origin: germline. Affected: yes.
Comment: Not observed in large population cohorts (Lek et al., 2016); In silico analysis supports that this missense variant does not alter protein structure/function; Has not been previously published as pathogenic or benign to our knowledge

NM_000748.3(CHRNB2):c.1201G>T (p.Gly401Trp)

Gene: CHRNB2 (cholinergic receptor nicotinic beta 2 subunit; plus strand). Cytogenetic location: 1q21.3.
Variant type: single nucleotide variant.
Coding change: c.1201G>T on transcript NM_000748.3 (MANE Select); coding-DNA position 1201, G replaced by T.
Protein change: p.Gly401Trp; replaces glycine 401 with tryptophan.
Molecular consequence: missense variant.
Genome position (GRCh38, 1-based): chr1:154,572,024, G>T. VCF-style: chr1-154572024-G-T. GRCh37 (hg19) VCF-style: chr1-154544500-G-T.
Other names: short protein forms G401W.
Identifiers: ClinVar variation 1312525 (VCV001312525.2), dbSNP rs902984484, ClinGen allele CA342631686.
Genomic context (GRCh38, chr1:154,572,024, plus strand): 5'-GCCCCAGGGGCCGACTCCTGCACGTGCTTCGTCAACCGCGCGTCGGTGCAGGGGTTGGCC[G>T]GGGCCTTCGGGGCTGAGCCTGCACCAGTGGCGGGCCCCGGGCGCTCAGGGGAGCCGTGTG-3'
Protein context (NP_000739.1, residues 391-411): VNRASVQGLA[Gly401Trp]AFGAEPAPVA